The following is an entry in ClinVar:

NM_001128148.3(TFRC):c.58T>C (p.Tyr20His)

Gene: TFRC (transferrin receptor; minus strand). Cytogenetic location: 3q29.
Variant type: single nucleotide variant.
Coding change: c.58T>C on transcript NM_001128148.3 (MANE Select); coding-DNA position 58, T replaced by C.
Protein change: p.Tyr20His; replaces tyrosine 20 with histidine.
Molecular consequence: missense variant. On other transcripts: intron variant (2).
Genome position (GRCh38, 1-based): chr3:196,075,339, A>G on the plus strand (T>C on the coding strand, the complement: TFRC is on the minus strand). VCF-style: chr3-196075339-A-G. GRCh37 (hg19) VCF-style: chr3-195802210-A-G.
Other names: c.58T>C, p.Tyr20His (NM_003234.4); c.-413+1725T>C (NM_001313966.2); c.-5-1214T>C (NM_001313965.2); c.58T>C (NM_003234.3); short protein forms Y20H.
Identifiers: ClinVar variation 218163 (VCV000218163.11), dbSNP rs863225436, ClinGen allele CA279895.

ClinVar aggregate classification (germline): Conflicting classifications of pathogenicity. Review status: criteria provided, conflicting classifications (1 of 4 stars). 7 submissions from 7 submitters: Pathogenic (1); Likely pathogenic (1); Uncertain significance (1). 4 of the submissions do not count toward it. Last evaluated 2025-12-14.

Conditions:
TFRC-related disorder. Also called: TFRC-related condition.
Combined immunodeficiency. Also called: Combined T and B cell immunodeficiency; Congenital combined immunodeficiency. Identifiers: Orphanet 101972, MedGen C2711630, MONDO:0015131, HP:0005387.
TFRC-related combined immunodeficiency. Also called: Immunodeficiency 46. Identifiers: Orphanet 476113, MedGen C5568133, MONDO:0014760, OMIM 616740.

Allele frequency attached by ClinVar (database versions not stated): gnomAD exomes below 0.00001; TOPMed 0.00001.
gnomAD v4.1: 1 of 1,614,150 alleles (0.000062%); highest among the groups gnomAD compares: Non-Finnish European, 0.000085%; no homozygotes.

Submissions (7):

GeneDx
Classification: Pathogenic. Last evaluated: 2025-12-14. Review status: criteria provided, single submitter. Criteria: GeneDx Variant Classification Process June 2021. Collection method: clinical testing. Allele origin: germline.
Comment: Observed in homozygous state in multiple unrelated patients with TFRC-related immunodeficiency referred for genetic testing at GeneDx and in published literature and not observed in homozygous state in controls (PMID: 32851577, 26642240); Published functional studies suggest a damaging effect (PMID: 26642240); In silico analysis supports that this missense variant has a deleterious effect on protein structure/function; Not observed at significant frequency in large population cohorts (gnomAD); This variant is associated with the following publications: (PMID: 34820863, 28129536, 30995720, Vorsteveld2024[casereport], 37812650, 38458303, 34518441, 33665641, 33117818, 35831434, 37192162, 37646182, 31443397, 26642240, 32851577, 38270687, 30697212)

Labcorp Genetics (formerly Invitae), Labcorp
Classification: Uncertain significance. Last evaluated: 2024-04-09. Review status: criteria provided, single submitter. Criteria: Invitae Variant Classification Sherloc (09022015). Collection method: clinical testing. Allele origin: germline.
Comment: This sequence change replaces tyrosine, which is neutral and polar, with histidine, which is basic and polar, at codon 20 of the TFRC protein (p.Tyr20His). This variant is not present in population databases (gnomAD no frequency). This missense change has been observed in individual(s) with combined immunodeficiency (PMID: 26642240, 32851577). ClinVar contains an entry for this variant (Variation ID: 218163). An algorithm developed to predict the effect of missense changes on protein structure and function (PolyPhen-2) suggests that this variant is likely to be disruptive. In summary, the available evidence is currently insufficient to determine the role of this variant in disease. Therefore, it has been classified as a Variant of Uncertain Significance.

Genomic Medicine Center of Excellence, King Faisal Specialist Hospital and Research Centre
Classification: Likely pathogenic for TFRC-related combined immunodeficiency. Last evaluated: 2024-03-17. Review status: criteria provided, single submitter. Criteria: ACMG Guidelines, 2015. Collection method: research. Allele origin: germline.

PreventionGenetics, part of Exact Sciences
Classification: Pathogenic for TFRC-related condition. Last evaluated: 2024-03-27. Review status: no assertion criteria provided. Collection method: clinical testing. Allele origin: germline. Not counted in ClinVar's aggregate classification.
Comment: The TFRC c.58T>C variant is predicted to result in the amino acid substitution p.Tyr20His. This variant has been reported in the homozygous state in several individuals from unrelated families with combined immune deficiency (Jabara et al. 2016. PubMed ID: 26642240; Aljohani et al. 2020. PubMed ID: 32851577). Functional studies from patient-derived fibroblasts and murine models showed that this variant in the homozygous state impacted protein function (Jabara et al. 2016. PubMed ID: 26642240). This variant has not been reported in a large population database, indicating this variant is rare. This variant is interpreted as pathogenic.

Biochemical Molecular Genetic Laboratory, King Abdulaziz Medical City
Classification: Uncertain significance for TFRC-related combined immunodeficiency. Last evaluated: 2019-09-26. Review status: no assertion criteria provided. Collection method: clinical testing. Allele origin: germline. Affected: yes. Not counted in ClinVar's aggregate classification.

OMIM
Classification: Pathogenic for IMMUNODEFICIENCY 46. Last evaluated: 2016-01-01. Review status: no assertion criteria provided. Collection method: literature only. Allele origin: germline. Not counted in ClinVar's aggregate classification.

Geha Laboratory, Boston Childrens Hospital
Classification: Pathogenic for Combined immunodeficiency. Last evaluated: 2015-01-15. Review status: no assertion criteria provided. Collection method: research. Allele origin: germline. Inheritance: Autosomal recessive inheritance. Affected: yes. Observed: 8 variant alleles, 8 homozygotes. Not counted in ClinVar's aggregate classification.
Comment: Patients with a combined immunodeficiency characterized by normal numbers, but impaired function, of T and B cells had a homozygous p.Tyr20His mutation in TFRC, encoding transferrin receptor 1 (TfR1). The mutation disrupts the TfR1 internalization motif, resulting in defective receptor endocytosis and markedly increased TfR1 surface expression. Iron citrate rescued the lymphocyte defects and transduction of wild type, but not mutant, TfR1 rescued impaired transferrin uptake in patient fibroblasts. TfrcY20H/Y20H mice recapitulated the patients’ immunologic defects. Despite the critical role of TfR1 in erythrocyte development and function, the patients had only mild anemia and only slightly TfR1 expression in their erythroid precursors. We show that STEAP3, a metalloreductase expressed in erythroblasts, can associate with TfR1 and partially rescues transferrin uptake in patient fibroblasts, suggesting that STEAP3 may provide an accessory TfR1 endocytosis signal that spares the patients from severe anemia. These findings demonstrate the importance of TfR1 in adaptive immunity.

Literature cited by the submitters: PubMed 26642240 (cited by Labcorp Genetics (formerly Invitae), Labcorp and OMIM); PubMed 32851577 (cited by Labcorp Genetics (formerly Invitae), Labcorp).